The following is an entry in ClinVar:

ClinVar aggregate classification (germline): Uncertain significance (1 of 4 stars; one submission).

Allele frequency attached by ClinVar (database versions not stated): TOPMed below 0.00001; gnomAD 0.00001; gnomAD exomes 0.00001.
gnomAD v4.1: 4 of 1,613,786 alleles (0.00025%); highest among the groups gnomAD compares: Middle Eastern, 0.016%; no homozygotes.

Submission:

Labcorp Genetics (formerly Invitae), Labcorp
Classification: Uncertain significance. Last evaluated: 2021-12-29. Review status: criteria provided, single submitter. Criteria: Invitae Variant Classification Sherloc (09022015). Collection method: clinical testing. Allele origin: germline.
Comment: This variant has not been reported in the literature in individuals affected with DCHS1-related conditions. This variant is not present in population databases (gnomAD no frequency). This sequence change replaces valine, which is neutral and non-polar, with alanine, which is neutral and non-polar, at codon 390 of the DCHS1 protein (p.Val390Ala). Advanced modeling of protein sequence and biophysical properties (such as structural, functional, and spatial information, amino acid conservation, physicochemical variation, residue mobility, and thermodynamic stability) performed at Invitae indicates that this missense variant is not expected to disrupt DCHS1 protein function. In summary, the available evidence is currently insufficient to determine the role of this variant in disease. Therefore, it has been classified as a Variant of Uncertain Significance.

NM_003737.4(DCHS1):c.1169T>C (p.Val390Ala)

Gene: DCHS1 (dachsous cadherin-related 1; minus strand). Cytogenetic location: 11p15.4.
Variant type: single nucleotide variant.
Coding change: c.1169T>C on transcript NM_003737.4 (MANE Select); coding-DNA position 1169, T replaced by C.
Protein change: p.Val390Ala; replaces valine 390 with alanine.
Molecular consequence: missense variant.
Genome position (GRCh38, 1-based): chr11:6,640,445, A>G on the plus strand (T>C on the coding strand, the complement: DCHS1 is on the minus strand). VCF-style: chr11-6640445-A-G. GRCh37 (hg19) VCF-style: chr11-6661676-A-G.
Other names: short protein forms V390A.
Identifiers: ClinVar variation 1944671 (VCV001944671.5), dbSNP rs1276016869, ClinGen allele CA379436308.